The following is an entry in ClinVar:

ClinVar aggregate classification (germline): Uncertain significance. Review status: criteria provided, multiple submitters, no conflicts (2 of 4 stars). 9 submissions from 9 submitters: Uncertain significance (8). 1 of the submissions does not count toward it. Last evaluated 2026-01-21.

Conditions:
Nemaline myopathy 2 (NEM2). Also called: Nemaline myopathy 2, autosomal recessive. Identifiers: MedGen C1850569, MONDO:0009725, OMIM 256030.
Inborn genetic diseases. Identifiers: MedGen C0950123, MeSH D030342.

Allele frequency attached by ClinVar (database versions not stated): ExAC 0.00018; gnomAD exomes 0.00020; TOPMed 0.00022; ESP Exome Variant Server 0.00024; gnomAD 0.00026 and 0.00027.
gnomAD v4.1: 336 of 1,613,786 alleles (0.021%); highest among the groups gnomAD compares: Middle Eastern, 0.033%; no homozygotes.

Submissions (9):

Women's Health and Genetics/Laboratory Corporation of America, LabCorp
Classification: Uncertain significance. Last evaluated: 2026-01-21. Review status: criteria provided, single submitter. Criteria: LabCorp Variant Classification Summary - May 2015. Collection method: clinical testing. Allele origin: germline.
Comment: Variant summary: NEB c.2540A>G (p.Asp847Gly) results in a non-conservative amino acid change in the encoded protein sequence. Algorithms developed to predict the effect of missense changes on protein structure and function are either unavailable or do not agree on the potential impact of this missense change. The variant allele was found at a frequency of 0.0002 in 249220 control chromosomes. This frequency is not significantly higher than estimated for disease-causing variants in NEB, allowing no conclusion about variant significance. To our knowledge, no occurrence of c.2540A>G in individuals affected with NEB-related conditions and no experimental evidence demonstrating its impact on protein function have been reported. ClinVar contains an entry for this variant (Variation ID: 516250). Based on the evidence outlined above, the variant was classified as uncertain significance.

Dasa
Classification: Uncertain significance. Last evaluated: 2025-07-04. Review status: criteria provided, single submitter. Criteria: DASA Assertion Criteria. Collection method: clinical testing. Allele origin: germline.
Comment: NM_001164508.2(NEB):c.2540A>G (p.Asp847Gly) is a missense variant that results in the substitution of aspartic acid with glycine. This variant is rare in population databases. Computational prediction algorithms are consistent with a benign effect. The currently available literature and clinical evidence are not sufficient to establish a definitive association between this variant and the reported condition. Therefore, this variant is classified as a variant of uncertain significance.

Ambry Genetics
Classification: Uncertain significance for Inborn genetic diseases. Last evaluated: 2024-12-31. Review status: criteria provided, single submitter. Criteria: Ambry Variant Classification Scheme 2023. Collection method: clinical testing. Allele origin: germline.

CeGaT Center for Human Genetics Tuebingen
Classification: Uncertain significance. Last evaluated: 2024-10-01. Review status: criteria provided, single submitter. Criteria: CeGaT Center For Human Genetics Tuebingen Variant Classification Criteria Version 2. Collection method: clinical testing. Allele origin: germline. Affected: yes. Observed: 1 variant allele.
Comment: NEB: PM2, BP4

GeneDx
Classification: Uncertain significance. Last evaluated: 2024-05-26. Review status: criteria provided, single submitter. Criteria: GeneDx Variant Classification Process June 2021. Collection method: clinical testing. Allele origin: germline. Affected: yes.
Comment: In silico analysis indicates that this missense variant does not alter protein structure/function; Has not been previously published as pathogenic or benign to our knowledge

Athena Diagnostics
Classification: Uncertain significance. Last evaluated: 2023-01-09. Review status: criteria provided, single submitter. Criteria: Athena Diagnostics Criteria. Collection method: clinical testing. Allele origin: unknown.
Comment: Available data are insufficient to determine the clinical significance of the variant at this time. The frequency of this variant in the general population is uninformative in assessment of its pathogenicity. Computational tools disagree on the variant's effect on normal protein function.

Revvity Omics, Revvity
Classification: Uncertain significance. Last evaluated: 2022-11-14. Review status: criteria provided, single submitter. Criteria: ACMG Guidelines, 2015. Collection method: clinical testing. Allele origin: germline.

Labcorp Genetics (formerly Invitae), Labcorp
Classification: Uncertain significance for Nemaline myopathy 2. Last evaluated: 2022-10-05. Review status: criteria provided, single submitter. Criteria: Invitae Variant Classification Sherloc (09022015). Collection method: clinical testing. Allele origin: germline.
Comment: This sequence change replaces aspartic acid, which is acidic and polar, with glycine, which is neutral and non-polar, at codon 847 of the NEB protein (p.Asp847Gly). This variant is present in population databases (rs375894183, gnomAD 0.04%). This variant has not been reported in the literature in individuals affected with NEB-related conditions. ClinVar contains an entry for this variant (Variation ID: 516250). Algorithms developed to predict the effect of missense changes on protein structure and function output the following: SIFT: "Deleterious"; PolyPhen-2: "Not Available"; Align-GVGD: "Class C0". The glycine amino acid residue is found in multiple mammalian species, which suggests that this missense change does not adversely affect protein function. In summary, the available evidence is currently insufficient to determine the role of this variant in disease. Therefore, it has been classified as a Variant of Uncertain Significance.

Natera, Inc.
Classification: Uncertain significance for Nemaline myopathy type 2. Last evaluated: 2020-01-17. Review status: no assertion criteria provided. Collection method: clinical testing. Allele origin: germline. Not counted in ClinVar's aggregate classification.

NM_001164508.2(NEB):c.2540A>G (p.Asp847Gly)

Gene: NEB (nebulin; minus strand). Cytogenetic location: 2q23.3.
Variant type: single nucleotide variant.
Coding change: c.2540A>G on transcript NM_001164508.2 (MANE Select); coding-DNA position 2540, A replaced by G.
Protein change: p.Asp847Gly; replaces aspartic acid 847 with glycine.
Molecular consequence: missense variant.
Genome position (GRCh38, 1-based): chr2:151,687,516, T>C on the plus strand (A>G on the coding strand, the complement: NEB is on the minus strand). VCF-style: chr2-151687516-T-C. GRCh37 (hg19) VCF-style: chr2-152544030-T-C.
Other names: c.2540A>G (NM_004543.4); c.2540A>G, p.Asp847Gly (NM_001164507.2, NM_001271208.2, NM_004543.5); short protein forms D847G.
Identifiers: ClinVar variation 516250 (VCV000516250.34), dbSNP rs375894183, ClinGen allele CA1911190.
Genomic context (GRCh38, chr2:151,687,516, plus strand): 5'-ATCTTTGGATCGTCATTAATGCTGAGGGCTCCAATCATTTTCCCTTTGCTCTTTTCATAG[T>C]CTTTCTTGTACATCACCTGCAAAGACATCACACATGCCAGATCCCACTCACCAGGAAATG-3'
Protein context (NP_001157980.2, residues 837-857): KNTSDVMYKK[Asp847Gly]YEKSKGKMIG